The following is an entry in ClinVar:

ClinVar aggregate classification (germline): Likely pathogenic (1 of 4 stars; one submission).

Conditions:
Intellectual developmental disorder, X-linked, syndromic, Claes-Jensen type. Also called: INTELLECTUAL DEVELOPMENTAL DISORDER, X-LINKED, SYNDROMIC 16; MENTAL RETARDATION, X-LINKED, SYNDROMIC 16; Syndromic X-linked intellectual disability Claes-Jensen type. Identifiers: Orphanet 85279, MedGen C1845243, MONDO:0010355, OMIM 300534.

Submission:

Breda Genetics srl
Classification: Likely pathogenic for Intellectual developmental disorder, X-linked, syndromic, Claes-Jensen type. Last evaluated: 2019-07-09. Review status: criteria provided, single submitter. Criteria: ACMG Guidelines, 2015. Collection method: clinical testing. Allele origin: maternal. Inheritance: X-linked recessive inheritance. Affected: yes. Observed: 1 variant allele, 1 hemizygote.
Comment: The variant affects the donor splice site of intron 15 and is therefore highly likely to impact the splicing process by causing the retention of the following intron and the formation of an aberrant mRNA, which is unlikely to be exported and translated into protein. This variant has not been reported in dbSNP, gnomAD, 1000 Genomes, NHLI Exome Sequencing Project (ESP) or ClinVar. Pathogenic splicing variants have already been reported in literature (PMID: 18697827, 25644381).

NM_004187.5(KDM5C):c.2243+1G>T

Gene: KDM5C (lysine demethylase 5C; minus strand). Cytogenetic location: Xp11.22.
Variant type: single nucleotide variant.
Coding change: c.2243+1G>T on transcript NM_004187.5 (MANE Select); the canonical splice donor site of the intron after coding-DNA position 2243, G replaced by T.
Molecular consequence: splice donor variant.
Genome position (GRCh38, 1-based): chrX:53,198,976, C>A on the plus strand (G>T on the coding strand, the complement: KDM5C is on the minus strand). VCF-style: chrX-53198976-C-A. GRCh37 (hg19) VCF-style: chrX-53228158-C-A.
Other names: c.2240+1G>T (NM_001282622.3, NM_001353982.2, NM_001353979.2); c.2243+1G>T (NM_001353978.3, NM_001353981.2, NM_001353984.2); c.2042+1G>T (NM_001146702.2).
Identifiers: ClinVar variation 869147 (VCV000869147.3), dbSNP rs2073058023, ClinGen allele CA413119466.